The following is an entry in ClinVar:

NM_000057.4(BLM):c.3224G>C (p.Arg1075Thr)

Gene: BLM (BLM RecQ like helicase; plus strand). Cytogenetic location: 15q26.1.
Variant type: single nucleotide variant.
Coding change: c.3224G>C on transcript NM_000057.4 (MANE Select); coding-DNA position 3224, G replaced by C.
Protein change: p.Arg1075Thr; replaces arginine 1075 with threonine.
Molecular consequence: missense variant.
Genome position (GRCh38, 1-based): chr15:90,798,203, G>C. VCF-style: chr15-90798203-G-C. GRCh37 (hg19) VCF-style: chr15-91341433-G-C.
Other names: c.3224G>C, p.Arg1075Thr (NM_001287246.2, NM_001287247.2); c.2099G>C, p.Arg700Thr (NM_001287248.2); short protein forms R700T, R1075T.
Identifiers: ClinVar variation 4622852 (VCV004622852.1).

ClinVar aggregate classification (germline): Uncertain significance (1 of 4 stars; one submission).

Conditions:
Hereditary cancer-predisposing syndrome. Also called: Neoplastic Syndromes, Hereditary; Tumor predisposition; Hereditary Cancer Syndrome; Hereditary neoplastic syndrome. Identifiers: Orphanet 140162, MedGen C0027672, MeSH D009386, MONDO:0015356.

Submission:

Ambry Genetics
Classification: Uncertain significance for Hereditary cancer-predisposing syndrome. Last evaluated: 2025-11-17. Review status: criteria provided, single submitter. Criteria: Ambry Variant Classification Scheme 2023. Collection method: clinical testing. Allele origin: germline.
Comment: The p.R1075T variant (also known as c.3224G>C), located in coding exon 16 of the BLM gene, results from a G to C substitution at nucleotide position 3224. The arginine at codon 1075 is replaced by threonine, an amino acid with similar properties. This amino acid position is conserved. In addition, the in silico prediction for this alteration is inconclusive. Based on the available evidence, the clinical significance of this variant remains unclear.